The following is an entry in ClinVar:

ClinVar aggregate classification (germline): Conflicting classifications of pathogenicity. Review status: criteria provided, conflicting classifications (1 of 4 stars). 4 submissions from 4 submitters: Uncertain significance (2); Likely benign (2). Last evaluated 2026-01-28.

Conditions:
Autosomal recessive nonsyndromic hearing loss 9. Also called: Deafness, autosomal recessive 9; NEUROSENSORY NONSYNDROMIC RECESSIVE DEAFNESS 9; OTOF-Related Hearing Loss; AUDITORY NEUROPATHY, AUTOSOMAL RECESSIVE, 1, TEMPERATURE-SENSITIVE. Identifiers: Orphanet 90636, MedGen C1832828, MONDO:0010986, OMIM 601071.

Allele frequency attached by ClinVar (database versions not stated): gnomAD exomes 0.00010 and 0.00033; gnomAD 0.00012 and 0.00016; TOPMed 0.00023; ExAC 0.00031; 1000 Genomes Project 0.00100; 1000 Genomes Project 30x 0.00109.
gnomAD v4.1: 171 of 1,612,910 alleles (0.011%); highest among the groups gnomAD compares: East Asian, 0.35%; no homozygotes.

Submissions (4):

Labcorp Genetics (formerly Invitae), Labcorp
Classification: Likely benign. Last evaluated: 2026-01-28. Review status: criteria provided, single submitter. Criteria: Invitae Variant Classification Sherloc (09022015). Collection method: clinical testing. Allele origin: germline.

GeneDx
Classification: Uncertain significance. Last evaluated: 2025-07-24. Review status: criteria provided, single submitter. Criteria: GeneDx Variant Classification Process June 2021. Collection method: clinical testing. Allele origin: germline. Affected: yes.
Comment: Identified and reported as a benign variant in published literature (PMID: 25262649); Identified as a single heterozygous variant in patients with hearing loss and in control alleles in published literature (PMID: 21935370, 24053799); In silico analysis supports that this missense variant has a deleterious effect on protein structure/function; This variant is associated with the following publications: (PMID: 24053799, 22906306, 30245029, 30512165, 21935370, 25262649)

Illumina Laboratory Services, Illumina
Classification: Uncertain significance for Autosomal recessive nonsyndromic hearing loss 9. Last evaluated: 2017-04-27. Review status: criteria provided, single submitter. Criteria: ICSL Variant Classification Criteria 13 December 2019. Collection method: clinical testing. Allele origin: germline.
Comment: This variant was observed as part of a predisposition screen in an ostensibly healthy population. A literature search was performed for the gene, cDNA change, and amino acid change (where applicable). Publications were found based on this search. However, the evidence from the literature, in combination with allele frequency data from public databases where available, was not sufficient to rule this variant in or out of causing disease. Therefore, this variant is classified as a variant of unknown significance.

PreventionGenetics, part of Exact Sciences
Classification: Likely benign. Review status: criteria provided, single submitter. Criteria: ACMG Guidelines, 2015. Collection method: clinical testing. Allele origin: germline.

Literature cited by the submitters: PubMed 22906306 (cited by Illumina Laboratory Services, Illumina); PubMed 24053799 (cited by Illumina Laboratory Services, Illumina); PubMed 25262649 (cited by Illumina Laboratory Services, Illumina); PubMed 21935370 (cited by Illumina Laboratory Services, Illumina).

NM_194248.3(OTOF):c.2180A>G (p.Asn727Ser)

Gene: OTOF (otoferlin; minus strand). Cytogenetic location: 2p23.3.
Variant type: single nucleotide variant.
Coding change: c.2180A>G on transcript NM_194248.3 (MANE Select); coding-DNA position 2180, A replaced by G.
Protein change: p.Asn727Ser; replaces asparagine 727 with serine.
Molecular consequence: missense variant.
Genome position (GRCh38, 1-based): chr2:26,479,298, T>C on the plus strand (A>G on the coding strand, the complement: OTOF is on the minus strand). VCF-style: chr2-26479298-T-C. GRCh37 (hg19) VCF-style: chr2-26702166-T-C.
Other names: c.2180A>G, p.Asn727Ser (NM_001287489.2); short protein forms N727S.
Identifiers: ClinVar variation 263080 (VCV000263080.19), dbSNP rs200654171, ClinGen allele CA1564042.
Genomic context (GRCh38, chr2:26,479,298, plus strand): 5'-CTGCTGGCCCCTGGCCTGGCCCTGACCAGCTTGTCGGCAATGTGGTCCATGATGTTGGCA[T>C]TGTAGAGGCGGCGGCGCTGGTCCGGCCACCAGCTCTTGATGTAGATGCAGGGCTTTCGCT-3'
Protein context (NP_919224.1, residues 717-737): WWPDQRRRLY[Asn727Ser]ANIMDHIADK